The following is an entry in ClinVar:

ClinVar aggregate classification (germline): Uncertain significance (1 of 4 stars; one submission).

Conditions:
Charcot-Marie-Tooth disease type 2. Also called: Charcot-Marie-Tooth type 2. Identifiers: Orphanet 64746, MedGen C0270914, MONDO:0018993.

gnomAD v4.1: 1 of 1,613,920 alleles (0.000062%); highest among the groups gnomAD compares: Admixed American, 0.0017%; no homozygotes.

Submission:

Labcorp Genetics (formerly Invitae), Labcorp
Classification: Uncertain significance for Charcot-Marie-Tooth disease type 2. Last evaluated: 2025-02-04. Review status: criteria provided, single submitter. Criteria: Invitae Variant Classification Sherloc (09022015). Collection method: clinical testing. Allele origin: germline.
Comment: This sequence change replaces glutamic acid, which is acidic and polar, with glutamine, which is neutral and polar, at codon 44 of the MFN2 protein (p.Glu44Gln). This variant is not present in population databases (gnomAD no frequency). This variant has not been reported in the literature in individuals affected with MFN2-related conditions. Invitae Evidence Modeling of protein sequence and biophysical properties (such as structural, functional, and spatial information, amino acid conservation, physicochemical variation, residue mobility, and thermodynamic stability) has been performed for this missense variant. However, the output from this modeling did not meet the statistical confidence thresholds required to predict the impact of this variant on MFN2 protein function. In summary, the available evidence is currently insufficient to determine the role of this variant in disease. Therefore, it has been classified as a Variant of Uncertain Significance.

NM_014874.4(MFN2):c.130G>C (p.Glu44Gln)

Gene: MFN2 (mitofusin 2; plus strand). Cytogenetic location: 1p36.22.
Variant type: single nucleotide variant.
Coding change: c.130G>C on transcript NM_014874.4 (MANE Select); coding-DNA position 130, G replaced by C.
Protein change: p.Glu44Gln; replaces glutamic acid 44 with glutamine.
Molecular consequence: missense variant.
Genome position (GRCh38, 1-based): chr1:11,989,298, G>C. VCF-style: chr1-11989298-G-C. GRCh37 (hg19) VCF-style: chr1-12049355-G-C.
Other names: c.130G>C, p.Glu44Gln (NM_001127660.2); short protein forms E44Q.
Identifiers: ClinVar variation 3704685 (VCV003704685.2).